The following is an entry in ClinVar:

ClinVar aggregate classification (germline): Uncertain significance (1 of 4 stars; one submission).

Conditions:
Developmental and epileptic encephalopathy, 12 (DEE12). Identifiers: MedGen C3150988, MONDO:0013389, OMIM 613722.

Allele frequency attached by ClinVar (database versions not stated): gnomAD 0.00001; gnomAD exomes 0.00001.
gnomAD v4.1: 22 of 1,612,244 alleles (0.0014%); highest among the groups gnomAD compares: Non-Finnish European, 0.0018%; no homozygotes.

Submission:

Labcorp Genetics (formerly Invitae), Labcorp
Classification: Uncertain significance for Developmental and epileptic encephalopathy, 12. Last evaluated: 2022-03-18. Review status: criteria provided, single submitter. Criteria: Invitae Variant Classification Sherloc (09022015). Collection method: clinical testing. Allele origin: germline.
Comment: In summary, the available evidence is currently insufficient to determine the role of this variant in disease. Therefore, it has been classified as a Variant of Uncertain Significance. Algorithms developed to predict the effect of missense changes on protein structure and function are either unavailable or do not agree on the potential impact of this missense change (SIFT: "Deleterious"; PolyPhen-2: "Benign"; Align-GVGD: "Class C25"). This variant has not been reported in the literature in individuals affected with PLCB1-related conditions. The frequency data for this variant in the population databases is considered unreliable, as metrics indicate poor data quality at this position in the gnomAD database. This sequence change replaces isoleucine, which is neutral and non-polar, with valine, which is neutral and non-polar, at codon 395 of the PLCB1 protein (p.Ile395Val).

NM_015192.4(PLCB1):c.1183A>G (p.Ile395Val)

Gene: PLCB1 (phospholipase C beta 1; plus strand). Cytogenetic location: 20p12.3.
Variant type: single nucleotide variant.
Coding change: c.1183A>G on transcript NM_015192.4 (MANE Select); coding-DNA position 1183, A replaced by G.
Protein change: p.Ile395Val; replaces isoleucine 395 with valine.
Molecular consequence: missense variant.
Genome position (GRCh38, 1-based): chr20:8,708,685, A>G. VCF-style: chr20-8708685-A-G. GRCh37 (hg19) VCF-style: chr20-8689332-A-G.
Other names: c.1183A>G, p.Ile395Val (NM_182734.3); short protein forms I395V.
Identifiers: ClinVar variation 1371046 (VCV001371046.5), dbSNP rs564559831, ClinGen allele CA311242926.